The following is an entry in ClinVar:

ClinVar aggregate classification (germline): Conflicting classifications of pathogenicity. Review status: criteria provided, conflicting classifications (1 of 4 stars). 2 submissions from 2 submitters: Likely pathogenic (1); Uncertain significance (1). Last evaluated 2026-02-10.

Conditions:
Multiple acyl-CoA dehydrogenase deficiency (MADD). Also called: Glutaric acidemia type II; GA 2; ETHYLMALONIC-ADIPICACIDURIA; GA II; Glutaric aciduria, type 2; Glutaric Acidemia type 2. Identifiers: Orphanet 26791, MedGen C0268596, MONDO:0009282, OMIM 231680.

Submissions (2):

GeneDx
Classification: Likely pathogenic. Last evaluated: 2026-02-10. Review status: criteria provided, single submitter. Criteria: GeneDx Variant Classification Process June 2021. Collection method: clinical testing. Allele origin: germline. Affected: yes.
Comment: Reported in a cohort of individuals with inborn errors of metabolism (PMID: 32778825); In silico analysis, which includes protein predictors and evolutionary conservation, supports a deleterious effect; Not observed in large population cohorts (gnomAD); This variant is associated with the following publications: (PMID: 32778825)

Labcorp Genetics (formerly Invitae), Labcorp
Classification: Uncertain significance for Multiple acyl-CoA dehydrogenase deficiency. Last evaluated: 2026-01-31. Review status: criteria provided, single submitter. Criteria: Invitae Variant Classification Sherloc (09022015). Collection method: clinical testing. Allele origin: germline.
Comment: This sequence change replaces isoleucine, which is neutral and non-polar, with threonine, which is neutral and polar, at codon 454 of the ETFDH protein (p.Ile454Thr). This variant is not present in population databases (gnomAD no frequency). This missense change has been observed in individual(s) with ETFDH-related conditions (internal data). ClinVar contains an entry for this variant (Variation ID: 1200073). Invitae Evidence Modeling of protein sequence and biophysical properties (such as structural, functional, and spatial information, amino acid conservation, physicochemical variation, residue mobility, and thermodynamic stability) indicates that this missense variant is not expected to disrupt ETFDH protein function with a negative predictive value of 80%. In summary, the available evidence is currently insufficient to determine the role of this variant in disease. Therefore, it has been classified as a Variant of Uncertain Significance.

NM_004453.4(ETFDH):c.1361T>C (p.Ile454Thr)

Gene: ETFDH (electron transfer flavoprotein dehydrogenase; plus strand). Cytogenetic location: 4q32.1.
Variant type: single nucleotide variant.
Coding change: c.1361T>C on transcript NM_004453.4 (MANE Select); coding-DNA position 1361, T replaced by C.
Protein change: p.Ile454Thr; replaces isoleucine 454 with threonine.
Molecular consequence: missense variant.
Genome position (GRCh38, 1-based): chr4:158,706,264, T>C. VCF-style: chr4-158706264-T-C. GRCh37 (hg19) VCF-style: chr4-159627416-T-C.
Other names: c.1220T>C, p.Ile407Thr (NM_001281737.2); c.1178T>C, p.Ile393Thr (NM_001281738.1); short protein forms I393T, I407T, I454T.
Identifiers: ClinVar variation 1200073 (VCV001200073.8), dbSNP rs2126314946, ClinGen allele CA358563964.